The following is an entry in ClinVar:

NM_000429.3(MAT1A):c.1005C>T (p.Tyr335=)

Gene: MAT1A (methionine adenosyltransferase 1A; minus strand). Cytogenetic location: 10q22.3.
Variant type: single nucleotide variant.
Coding change: c.1005C>T on transcript NM_000429.3 (MANE Select); coding-DNA position 1005, C replaced by T.
Protein change: p.Tyr335=; no amino-acid change (tyrosine 335 retained).
Molecular consequence: synonymous variant.
Genome position (GRCh38, 1-based): chr10:80,274,600, G>A on the plus strand (C>T on the coding strand, the complement: MAT1A is on the minus strand). VCF-style: chr10-80274600-G-A. GRCh37 (hg19) VCF-style: chr10-82034356-G-A.
Identifiers: ClinVar variation 256102 (VCV000256102.20), dbSNP rs61734474, ClinGen allele CA5576636.

ClinVar aggregate classification (germline): Benign. Review status: criteria provided, multiple submitters, no conflicts (2 of 4 stars). 3 submissions from 3 submitters: Benign (3). Last evaluated 2026-01-28.

Conditions:
Hepatic methionine adenosyltransferase deficiency. Also called: MAT I/III DEFICIENCY; Isolated Persistent Hypermethioninemia; Methionine adenosyltransferase deficiency; Deficiency of methionine adenosyltransferase. Identifiers: Orphanet 168598, MedGen C0268621, MeSH C564683, MONDO:0009607, OMIM 250850.

Allele frequency attached by ClinVar (database versions not stated): gnomAD exomes 0.00048 and 0.00111; ExAC 0.00136; gnomAD 0.00474 and 0.00509; ESP Exome Variant Server 0.00477; TOPMed 0.00527; 1000 Genomes Project 0.00579; 1000 Genomes Project 30x 0.00671.
gnomAD v4.1: 1,451 of 1,614,182 alleles (0.09%); highest among the groups gnomAD compares: African/African-American, 1.7%; 10 homozygotes.

Submissions (3):

Labcorp Genetics (formerly Invitae), Labcorp
Classification: Benign for Hepatic methionine adenosyltransferase deficiency. Last evaluated: 2026-01-28. Review status: criteria provided, single submitter. Criteria: Invitae Variant Classification Sherloc (09022015). Collection method: clinical testing. Allele origin: germline.

Illumina Laboratory Services, Illumina
Classification: Benign for Hepatic methionine adenosyltransferase deficiency. Last evaluated: 2018-01-13. Review status: criteria provided, single submitter. Criteria: ICSL Variant Classification Criteria 13 December 2019. Collection method: clinical testing. Allele origin: germline.
Comment: This variant was observed in the ICSL laboratory as part of a predisposition screen in an ostensibly healthy population. It had not been previously curated by ICSL or reported in the Human Gene Mutation Database (HGMD: prior to June 1st, 2018), and was therefore a candidate for classification through an automated scoring system. Utilizing variant allele frequency, disease prevalence and penetrance estimates, and inheritance mode, an automated score was calculated to assess if this variant is too frequent to cause the disease. Based on the score and internal cut-off values, a variant classified as benign is not then subjected to further curation. The score for this variant resulted in a classification of benign for this disease.

PreventionGenetics, part of Exact Sciences
Classification: Benign. Review status: criteria provided, single submitter. Criteria: ACMG Guidelines, 2015. Collection method: clinical testing. Allele origin: germline.